The following is an entry in ClinVar:

Single allele

Variant type: Variation.
Identifiers: ClinVar variation 65975 (VCV000065975.2).

ClinVar aggregate classification (germline): Pathogenic (0 of 4 stars; one submission).

Conditions:
Central core myopathy (CMYO1A). Also called: Central core disease; Myopathy, central fibrillar; CONGENITAL MYOPATHY 1A, AUTOSOMAL DOMINANT, WITH SUSCEPTIBILITY TO MALIGNANT HYPERTHERMIA. Identifiers: Orphanet 597, MedGen C5830701, MONDO:0007294, OMIM 117000.

Submission:

GeneReviews
Classification: Pathogenic for Central Core Disease. Last evaluated: 2010-05-11. Review status: no assertion criteria provided. Collection method: curation. Allele origin: unknown.
ClinVar note: Converted during submission from pathologic to Pathogenic.